The following is an entry in ClinVar:

ClinVar aggregate classification (germline): Uncertain significance (1 of 4 stars; one submission).

gnomAD v4.1: 2 of 1,613,388 alleles (0.00012%); highest among the groups gnomAD compares: Non-Finnish European, 0.00017%; no homozygotes.

Submission:

GeneDx
Classification: Uncertain significance. Last evaluated: 2026-01-26. Review status: criteria provided, single submitter. Criteria: GeneDx Variant Classification Process June 2021. Collection method: clinical testing. Allele origin: germline.
Comment: Has not been previously published as pathogenic or benign to our knowledge; Not observed at significant frequency in large population cohorts (gnomAD); Missense variant in a gene in which most reported pathogenic variants are truncating/loss of function

NM_001267550.2(TTN):c.16141G>T (p.Ala5381Ser)

Gene: TTN (titin; minus strand). Cytogenetic location: 2q31.2.
Variant type: single nucleotide variant.
Coding change: c.16141G>T on transcript NM_001267550.2 (MANE Select); coding-DNA position 16141, G replaced by T.
Protein change: p.Ala5381Ser; replaces alanine 5381 with serine.
Molecular consequence: missense variant. On other transcripts: intron variant (3).
Genome position (GRCh38, 1-based): chr2:178,733,035, C>A on the plus strand (G>T on the coding strand, the complement: TTN is on the minus strand). VCF-style: chr2-178733035-C-A. GRCh37 (hg19) VCF-style: chr2-179597762-C-A.
Other names: c.15190G>T, p.Ala5064Ser (NM_001256850.1); c.12409G>T, p.Ala4137Ser (NM_133378.4); c.13282+5047G>T (NM_003319.4); c.13858+5047G>T (NM_133437.4); c.13657+5047G>T (NM_133432.3); short protein forms A4137S, A5064S, A5381S.
Identifiers: ClinVar variation 4975616 (VCV004975616.1).